The following is an entry in ClinVar:

ClinVar aggregate classification (germline): Uncertain significance (1 of 4 stars; one submission).

Conditions:
Inborn genetic diseases. Identifiers: MedGen C0950123, MeSH D030342.

Submission:

Ambry Genetics
Classification: Uncertain significance for Inborn genetic diseases. Last evaluated: 2024-12-27. Review status: criteria provided, single submitter. Criteria: Ambry Variant Classification Scheme 2023. Collection method: clinical testing. Allele origin: germline.
Comment: The p.S233C variant (also known as c.698C>G), located in coding exon 6 of the BMPR2 gene, results from a C to G substitution at nucleotide position 698. The serine at codon 233 is replaced by cysteine, an amino acid with dissimilar properties. This amino acid position is conserved. In addition, the in silico prediction for this alteration is inconclusive. Based on the available evidence, the clinical significance of this variant remains unclear.

NM_001204.7(BMPR2):c.698C>G (p.Ser233Cys)

Gene: BMPR2 (bone morphogenetic protein receptor type 2; plus strand). Cytogenetic location: 2q33.2.
Variant type: single nucleotide variant.
Coding change: c.698C>G on transcript NM_001204.7 (MANE Select); coding-DNA position 698, C replaced by G.
Protein change: p.Ser233Cys; replaces serine 233 with cysteine.
Molecular consequence: missense variant.
Genome position (GRCh38, 1-based): chr2:202,518,898, C>G. VCF-style: chr2-202518898-C-G. GRCh37 (hg19) VCF-style: chr2-203383621-C-G.
Other names: short protein forms S233C.
Identifiers: ClinVar variation 3824785 (VCV003824785.1).